The following is an entry in ClinVar:

NM_001321075.3(DLG4):c.2068+8C>G

Gene: DLG4 (discs large MAGUK scaffold protein 4; minus strand). Cytogenetic location: 17p13.1.
Variant type: single nucleotide variant.
Coding change: c.2068+8C>G on transcript NM_001321075.3 (MANE Select); 8 bases into the intron after coding-DNA position 2068, C replaced by G.
Molecular consequence: intron variant.
Genome position (GRCh38, 1-based): chr17:7,191,259, G>C on the plus strand (C>G on the coding strand, the complement: DLG4 is on the minus strand). VCF-style: chr17-7191259-G-C. GRCh37 (hg19) VCF-style: chr17-7094578-G-C.
Other names: c.2197+8C>G (NM_001365.5); c.2059+8C>G (NM_001128827.4); c.1987+8C>G (NM_001369566.3); c.1888+8C>G (NM_001321077.3, NM_001321076.3); c.2188+8C>G (NM_001321074.1).
Identifiers: ClinVar variation 3061081 (VCV003061081.2), dbSNP rs2507904531, ClinGen allele CA2740095216.

ClinVar aggregate classification (germline): Likely benign (0 of 4 stars; one submission).

Conditions:
DLG4-related disorder. Also called: DLG4-related condition.

Submission:

PreventionGenetics, part of Exact Sciences
Classification: Likely benign for DLG4-related condition. Last evaluated: 2024-02-14. Review status: no assertion criteria provided. Collection method: clinical testing. Allele origin: germline.
Comment: This variant is classified as likely benign based on ACMG/AMP sequence variant interpretation guidelines (Richards et al. 2015 PMID: 25741868, with internal and published modifications).